The following is an entry in ClinVar:

ClinVar aggregate classification (germline): Pathogenic (1 of 4 stars; one submission).

Conditions:
Glycogen storage disease type III (GSD3). Also called: FORBES DISEASE; Cori disease. Identifiers: Orphanet 366, MedGen C0017922, MONDO:0009291, OMIM 232400.

Submission:

Labcorp Genetics (formerly Invitae), Labcorp
Classification: Pathogenic for Glycogen storage disease type III. Last evaluated: 2024-09-08. Review status: criteria provided, single submitter. Criteria: Invitae Variant Classification Sherloc (09022015). Collection method: clinical testing. Allele origin: germline.
Comment: This sequence change creates a premature translational stop signal (p.Glu774*) in the AGL gene. It is expected to result in an absent or disrupted protein product. Loss-of-function variants in AGL are known to be pathogenic (PMID: 19299494). This variant is not present in population databases (gnomAD no frequency). This variant has not been reported in the literature in individuals affected with AGL-related conditions. For these reasons, this variant has been classified as Pathogenic.

Literature cited by the submitters: PubMed 19299494.

NM_000642.3(AGL):c.2320G>T (p.Glu774Ter)

Gene: AGL (amylo-alpha-1,6-glucosidase and 4-alpha-glucanotransferase; plus strand). Cytogenetic location: 1p21.2.
Variant type: single nucleotide variant.
Coding change: c.2320G>T on transcript NM_000642.3 (MANE Select); coding-DNA position 2320, G replaced by T.
Protein change: p.Glu774Ter; replaces glutamic acid 774 with a stop codon.
Molecular consequence: nonsense.
Genome position (GRCh38, 1-based): chr1:99,884,131, G>T. VCF-style: chr1-99884131-G-T. GRCh37 (hg19) VCF-style: chr1-100349687-G-T.
Other names: c.2320G>T, p.Glu774Ter (NM_000028.3, NM_000643.3, NM_000644.3 and 2 more transcripts); c.2272G>T, p.Glu758Ter (NM_000646.3); c.2119G>T, p.Glu707Ter (NM_001425327.1); c.2116G>T, p.Glu706Ter (NM_001425328.1, NM_001425329.1); c.1942G>T, p.Glu648Ter (NM_001425332.1); short protein forms E648*, E707*, E706*, E758*, E774*.
Identifiers: ClinVar variation 3666492 (VCV003666492.2).